The following is an entry in ClinVar:

NM_001083614.2(EARS2):c.412_427dup (p.Ser143fs)

Gene: EARS2 (glutamyl-tRNA synthetase 2, mitochondrial; minus strand). Cytogenetic location: 16p12.2.
Variant type: Duplication.
Coding change: c.412_427dup on transcript NM_001083614.2 (MANE Select); coding-DNA positions 412 to 427, 16 bases duplicated (TACCCCTGTTTCTGCT).
Protein change: p.Ser143fs; shifts the reading frame from serine 143.
Molecular consequence: frameshift variant. On other transcripts: non-coding transcript variant (1).
Genome position (GRCh38, 1-based): chr16:23,544,572-23,544,587, AGCAGAAACAGGGGTA duplicated on the plus strand (TACCCCTGTTTCTGCT on the coding strand, the reverse complement: EARS2 is on the minus strand); duplicating any 16 consecutive bases within chr16:23,544,572-23,544,592 gives the same sequence; the c. name uses the placement nearest the transcript's 3' end. VCF-style (leftmost placement, unchanged base first): chr16-23544571-G-GAGCAGAAACAGGGGTA. GRCh37 (hg19) VCF-style: chr16-23555892-G-GAGCAGAAACAGGGGTA.
Other names: c.412_427dup, p.Ser143fs (NM_001308211.1); short protein forms S143fs.
Identifiers: ClinVar variation 5005558 (VCV005005558.2).

ClinVar aggregate classification (germline): Likely pathogenic (1 of 4 stars; one submission).

Conditions:
Leukoencephalopathy-thalamus and brainstem anomalies-high lactate syndrome. Also called: LEUKOENCEPHALOPATHY WITH THALAMUS AND BRAINSTEM INVOLVEMENT AND HIGH LACTATE; Combined oxidative phosphorylation deficiency 12. Identifiers: Orphanet 314051, MedGen C4706421, MONDO:0013971, OMIM 614924.

Submission:

Juno Genomics, Hangzhou Juno Genomics, Inc
Classification: Likely pathogenic for Leukoencephalopathy-thalamus and brainstem anomalies-high lactate syndrome. Review status: criteria provided, single submitter. Criteria: ACMG Guidelines, 2015. Collection method: clinical testing. Allele origin: germline.
Comment: Null variant in a gene where loss of function (LOF) is a known mechanism of disease.;Absent from controls (or at extremely low frequency if recessive) in Genome Aggregation Database.